The following is an entry in ClinVar:

NM_001034853.2(RPGR):c.2173_2186del (p.Gln725fs)

Gene: RPGR (retinitis pigmentosa GTPase regulator; minus strand). Cytogenetic location: Xp11.4.
Variant type: Deletion.
Coding change: c.2173_2186del on transcript NM_001034853.2 (MANE Select); coding-DNA positions 2173 to 2186, 14 bases deleted (CAAGAGATGGAGGA).
Protein change: p.Gln725fs; shifts the reading frame from glutamine 725.
Molecular consequence: frameshift variant. On other transcripts: intron variant (8).
Genome position (GRCh38, 1-based): chrX:38,286,813-38,286,826, TCCTCCATCTCTTG deleted on the plus strand (CAAGAGATGGAGGA on the coding strand, the reverse complement: RPGR is on the minus strand). VCF-style (leftmost placement, unchanged base first): chrX-38286812-CTCCTCCATCTCTTG-C. GRCh37 (hg19) VCF-style: chrX-38146065-CTCCTCCATCTCTTG-C.
Other names: c.1569+4133_1569+4146del (NM_001367249.1, NM_001367250.1); c.1902+268_1902+281del (NM_001367245.1); c.1386+4133_1386+4146del (NM_001367251.1); c.1719+268_1719+281del (NM_001367246.1); c.1572+4133_1572+4146del (NM_001367247.1); c.1905+268_1905+281del (NM_000328.3); c.1602+4133_1602+4146del (NM_001367248.1); short protein forms Q725fs.
Identifiers: ClinVar variation 5038044 (VCV005038044.1).

ClinVar aggregate classification (germline): Pathogenic (3 of 4 stars; one submission).

Conditions:
RPGR-related retinopathy. Also called: RPGR retinopathy. Identifiers: MedGen CN305589, MONDO:0100437.

Submission:

ClinGen X-linked Inherited Retinal Disease Variant Curation Expert Panel, ClinGen
Classification: Pathogenic for RPGR-related retinopathy. Last evaluated: 2026-10-30. Review status: reviewed by expert panel. Criteria: ClinGen X LinkedIRD ACMG Specifications RPGR V1.0.0. Collection method: curation. Allele origin: germline. Inheritance: X-linked inheritance.
Comment: NM_001034853.2(RPGR):c.2173_2186del (p.Gln725GlyfsTer?) is a frameshift variant caused by deletion of 14 nucleotides, which introduces a premature stop codon and causes a truncated protein, disrupting a critical C-terminal region required for proper function of RPGR (PVS1, PMID: 36445968). This variant is absent from hemizygous individuals in gnomAD v4.1.2 (PM2_Supporting). At least one proband harboring this variant exhibits a phenotype including night blindness (0.5 pts), reduced visual acuity (0.5 pts), optic disc pallor (0.5 pts), Pigmentary retinopathy (0.5 pts), early onset (1 pt), and NGS + Sangar validation (2 pts), which together are specific for RPGR-related retinopathy (5 points, PMID: 36276946, PP4). In summary, this variant is classified as Pathogenic for RPGR-related retinopathy based on the ClinGen X-linked Inherited Retinal Disease Expert Panel Specifications to the ACMG/AMP Variant Interpretation Guidelines for RPGR Version 1.0.0: PVS1, PM2_Supporting, and PP4.